The following is an entry in ClinVar:

NM_002471.4(MYH6):c.4525+28A>G

Gene: MYH6 (myosin heavy chain 6; minus strand). Cytogenetic location: 14q11.2.
Variant type: single nucleotide variant.
Coding change: c.4525+28A>G on transcript NM_002471.4 (MANE Select); 28 bases into the intron after coding-DNA position 4525, A replaced by G.
Molecular consequence: intron variant.
Genome position (GRCh38, 1-based): chr14:23,387,730, T>C on the plus strand (A>G on the coding strand, the complement: MYH6 is on the minus strand). VCF-style: chr14-23387730-T-C. GRCh37 (hg19) VCF-style: chr14-23856939-T-C.
Identifiers: ClinVar variation 4883013 (VCV004883013.2).

ClinVar aggregate classification (germline): Uncertain significance (1 of 4 stars; one submission).

gnomAD v4.1: 1 of 1,613,872 alleles (0.000062%); highest among the groups gnomAD compares: Non-Finnish European, 0.000085%; no homozygotes.

Submission:

Dasa
Classification: Uncertain significance. Last evaluated: 2026-01-14. Review status: criteria provided, single submitter. Criteria: DASA Assertion Criteria. Collection method: clinical testing. Allele origin: germline.
Comment: NM_002471.4(MYH6):c.4525+28A>G is an intronic variant. This variant is rare in population databases. The currently available literature and clinical evidence are not sufficient to establish a definitive association between this variant and the reported condition. Therefore, this variant is classified as a variant of uncertain significance.